The following is an entry in ClinVar:

ClinVar aggregate classification (germline): Pathogenic (1 of 4 stars; one submission).

Submission:

GeneDx
Classification: Pathogenic. Last evaluated: 2014-07-30. Review status: criteria provided, single submitter. Criteria: GeneDx Variant Classification (06012015). Collection method: clinical testing. Allele origin: germline. Affected: yes.
Comment: c.217delA: p.Arg73GlyfsX2 (R73GfsX2) in exon 2 of the LIAS gene (NM_006859.2). The normal sequence with the base that is deleted in braces is: AGAA{A}Ggta (with upper case letters representing exonic sequence and lower case letters for intronic sequence).The c.217delA mutation in the LIAS gene causes a frameshift starting with codon Arginine 73, changes this amino acid to a Glycine residue and creates a premature Stop codon at position 2 of the new reading frame, denoted p.Arg73GlyfsX2. This mutation is predicted to cause loss of normal protein function either through protein truncation or nonsense-mediated mRNA decay. Although this mutation has not been previously reported, it is expected to be a pathogenic mutation. The variant is found in EPILEPSY panel(s).

NM_006859.4(LIAS):c.217del (p.Arg73fs)

Gene: LIAS (lipoic acid synthetase; plus strand). Cytogenetic location: 4p14.
Variant type: Deletion.
Coding change: c.217del on transcript NM_006859.4 (MANE Select); coding-DNA position 217, one base deleted (A; older notation c.217delA).
Protein change: p.Arg73fs; shifts the reading frame from arginine 73.
Molecular consequence: frameshift variant.
Genome position (GRCh38, 1-based): chr4:39,460,961, A deleted; the last of 3 consecutive A bases (chr4:39,460,959-39,460,961); deleting any one gives the same sequence. VCF-style (leftmost placement, unchanged base first): chr4-39460958-GA-G. GRCh37 (hg19) VCF-style: chr4-39462578-GA-G.
Other names: c.217del, p.Arg73fs (NM_001278590.2, NM_001278591.2, NM_001278592.2 and 2 more transcripts); short protein forms R73fs.
Identifiers: ClinVar variation 206046 (VCV000206046.1), dbSNP rs796052703, ClinGen allele CA315753.